The following is an entry in ClinVar:

ClinVar aggregate classification (germline): Uncertain significance (1 of 4 stars; one submission).

Conditions:
Cardiomyopathy (CMYO). Also called: Cardiomyopathies. Identifiers: Orphanet 167848, MedGen C0878544, MONDO:0004994, HP:0001638. Inheritance: Various modes of inheritance.

gnomAD v4.1: 1 of 1,611,784 alleles (0.000062%); highest among the groups gnomAD compares: Non-Finnish European, 0.000085%; no homozygotes.

Submission:

Color Diagnostics, LLC DBA Color Health
Classification: Uncertain significance for Cardiomyopathy. Last evaluated: 2025-05-30. Review status: criteria provided, single submitter. Criteria: ACMG Guidelines, 2015. Collection method: clinical testing. Allele origin: germline.
Comment: This missense variant replaces isoleucine with valine at codon 4582 of the RYR2 protein. Computational prediction is inconclusive regarding the impact of this variant on protein structure and function. To our knowledge, functional studies have not been reported for this variant. This variant has not been reported in individuals affected with RYR2-related disorders in the literature. This variant has not been identified in the general population by the Genome Aggregation Database (gnomAD). The available evidence is insufficient to determine the role of this variant in disease conclusively. Therefore, this variant is classified as a Variant of Uncertain Significance.

NM_001035.3(RYR2):c.13744A>G (p.Ile4582Val)

Gene: RYR2 (ryanodine receptor 2; plus strand). Cytogenetic location: 1q43.
Variant type: single nucleotide variant.
Coding change: c.13744A>G on transcript NM_001035.3 (MANE Select); coding-DNA position 13744, A replaced by G.
Protein change: p.Ile4582Val; replaces isoleucine 4582 with valine.
Molecular consequence: missense variant.
Genome position (GRCh38, 1-based): chr1:237,792,285, A>G. VCF-style: chr1-237792285-A-G. GRCh37 (hg19) VCF-style: chr1-237955585-A-G.
Other names: short protein forms I4582V.
Identifiers: ClinVar variation 4758739 (VCV004758739.1).
Genomic context (GRCh38, chr1:237,792,285, plus strand): 5'-GAGGAGAGCAGCGGCTACATGGAGCCCACGTTGCGTATCTTAGCTATTCTGCACACGGTC[A>G]TTTCTTTCTTCTGCATCATTGGATACTACTGCTTGAAAGTAAGATAGTAAGGCACCAAGG-3'
Protein context (NP_001026.2, residues 4572-4592): LRILAILHTV[Ile4582Val]SFFCIIGYYC